The following is an entry in ClinVar:

NM_006922.4(SCN3A):c.3095G>C (p.Arg1032Thr)

Gene: SCN3A (sodium voltage-gated channel alpha subunit 3; minus strand). Cytogenetic location: 2q24.3.
Variant type: single nucleotide variant.
Coding change: c.3095G>C on transcript NM_006922.4 (MANE Select); coding-DNA position 3095, G replaced by C.
Protein change: p.Arg1032Thr; replaces arginine 1032 with threonine.
Molecular consequence: missense variant.
Genome position (GRCh38, 1-based): chr2:165,127,929, C>G on the plus strand (G>C on the coding strand, the complement: SCN3A is on the minus strand). VCF-style: chr2-165127929-C-G. GRCh37 (hg19) VCF-style: chr2-165984439-C-G.
Other names: c.2948G>C, p.Arg983Thr (NM_001081676.2, NM_001081677.2); c.3095G>C (NM_006922.3); short protein forms R1032T, R983T.
Identifiers: ClinVar variation 1019538 (VCV001019538.7), dbSNP rs147300771, ClinGen allele CA1938857.

ClinVar aggregate classification (germline): Uncertain significance. Review status: criteria provided, multiple submitters, no conflicts (2 of 4 stars). 2 submissions from 2 submitters: Uncertain significance (2). Last evaluated 2026-01-25.

Conditions:
Inborn genetic diseases. Identifiers: MedGen C0950123, MeSH D030342.

Allele frequency attached by ClinVar (database versions not stated): gnomAD exomes 0.00002 and 0.00007; TOPMed 0.00006; ExAC 0.00001; gnomAD 0.00005; ESP Exome Variant Server 0.00015.
gnomAD v4.1: 111 of 1,613,892 alleles (0.0069%); highest among the groups gnomAD compares: Non-Finnish European, 0.0089%; no homozygotes.

Submissions (2):

Labcorp Genetics (formerly Invitae), Labcorp
Classification: Uncertain significance. Last evaluated: 2026-01-25. Review status: criteria provided, single submitter. Criteria: Invitae Variant Classification Sherloc (09022015). Collection method: clinical testing. Allele origin: germline.
Comment: This sequence change replaces arginine, which is basic and polar, with threonine, which is neutral and polar, at codon 1032 of the SCN3A protein (p.Arg1032Thr). This variant is present in population databases (rs147300771, gnomAD 0.004%). This variant has not been reported in the literature in individuals affected with SCN3A-related conditions. ClinVar contains an entry for this variant (Variation ID: 1019538). Invitae Evidence Modeling of protein sequence and biophysical properties (such as structural, functional, and spatial information, amino acid conservation, physicochemical variation, residue mobility, and thermodynamic stability) indicates that this missense variant is not expected to disrupt SCN3A protein function with a negative predictive value of 95%. In summary, the available evidence is currently insufficient to determine the role of this variant in disease. Therefore, it has been classified as a Variant of Uncertain Significance.

Ambry Genetics
Classification: Uncertain significance for Inborn genetic diseases. Last evaluated: 2021-09-01. Review status: criteria provided, single submitter. Criteria: Ambry Variant Classification Scheme 2023. Collection method: clinical testing. Allele origin: germline.